The following is an entry in ClinVar:

NM_016284.5(CNOT1):c.4697C>T (p.Pro1566Leu)

Gene: CNOT1 (CCR4-NOT transcription complex subunit 1; minus strand). Cytogenetic location: 16q21.
Variant type: single nucleotide variant.
Coding change: c.4697C>T on transcript NM_016284.5 (MANE Select); coding-DNA position 4697, C replaced by T.
Protein change: p.Pro1566Leu; replaces proline 1566 with leucine.
Molecular consequence: missense variant. On other transcripts: non-coding transcript variant (1).
Genome position (GRCh38, 1-based): chr16:58,541,604, G>A on the plus strand (C>T on the coding strand, the complement: CNOT1 is on the minus strand). VCF-style: chr16-58541604-G-A. GRCh37 (hg19) VCF-style: chr16-58575508-G-A.
Other names: c.4682C>T, p.Pro1561Leu (NM_001265612.2); short protein forms P1561L, P1566L.
Identifiers: ClinVar variation 4883212 (VCV004883212.2).

ClinVar aggregate classification (germline): Uncertain significance (1 of 4 stars; one submission).

gnomAD v4.1: 2 of 1,613,836 alleles (0.00012%); highest among the groups gnomAD compares: Non-Finnish European, 0.00017%; no homozygotes.

Submission:

Dasa
Classification: Uncertain significance. Last evaluated: 2025-07-08. Review status: criteria provided, single submitter. Criteria: DASA Assertion Criteria. Collection method: clinical testing. Allele origin: germline.
Comment: NM_016284.5(CNOT1):c.4697C>T (p.Pro1566Leu) is a missense variant that results in the substitution of proline with leucine. This variant is rare in population databases. Computational prediction algorithms are consistent with a benign effect. The currently available literature and clinical evidence are not sufficient to establish a definitive association between this variant and the reported condition. Therefore, this variant is classified as a variant of uncertain significance.